The following is an entry in ClinVar:

ClinVar aggregate classification (germline): Uncertain significance. Review status: criteria provided, multiple submitters, no conflicts (2 of 4 stars). 2 submissions from 2 submitters: Uncertain significance (2). Last evaluated 2026-01-14.

Conditions:
X-linked Emery-Dreifuss muscular dystrophy. Also called: Muscular dystrophy, tardive Emery-Dreifuss type, with contractures. Identifiers: Orphanet 261, Orphanet 98863, MedGen C0751337, MONDO:0010680.
Emery-Dreifuss muscular dystrophy 1, X-linked (EDMD1). Also called: Muscular dystrophy, tardive, Dreifuss-Emery type, with contractures; SCAPULOPERONEAL SYNDROME, X-LINKED; HUMEROPERONEAL NEUROMUSCULAR DISEASE; EMD-Related Emery-Dreifuss Muscular Dystrophy, X-Linked. Identifiers: MedGen CN375556, MONDO:0100531, OMIM 310300.

Allele frequency attached by ClinVar (database versions not stated): ExAC 0.00001; gnomAD 0.00001; gnomAD exomes 0.00001; TOPMed 0.00001.
gnomAD v4.1: 7 of 1,210,458 alleles (0.00058%); highest among the groups gnomAD compares: Admixed American, 0.0022%; no homozygotes.

Submissions (2):

Labcorp Genetics (formerly Invitae), Labcorp
Classification: Uncertain significance for X-linked Emery-Dreifuss muscular dystrophy. Last evaluated: 2026-01-14. Review status: criteria provided, single submitter. Criteria: Invitae Variant Classification Sherloc (09022015). Collection method: clinical testing. Allele origin: germline.
Comment: This sequence change replaces arginine, which is basic and polar, with histidine, which is basic and polar, at codon 152 of the EMD protein (p.Arg152His). This variant is present in population databases (rs782317753, gnomAD 0.001%). This variant has not been reported in the literature in individuals affected with EMD-related conditions. ClinVar contains an entry for this variant (Variation ID: 2441219). Invitae Evidence Modeling of protein sequence and biophysical properties (such as structural, functional, and spatial information, amino acid conservation, physicochemical variation, residue mobility, and thermodynamic stability) indicates that this missense variant is not expected to disrupt EMD protein function with a negative predictive value of 80%. In summary, the available evidence is currently insufficient to determine the role of this variant in disease. Therefore, it has been classified as a Variant of Uncertain Significance.

Revvity Omics, Revvity
Classification: Uncertain significance for Emery-Dreifuss muscular dystrophy 1, X-linked. Last evaluated: 2022-11-29. Review status: criteria provided, single submitter. Criteria: ACMG Guidelines, 2015. Collection method: clinical testing. Allele origin: germline.

NM_000117.3(EMD):c.455G>A (p.Arg152His)

Gene: EMD (emerin; plus strand). Cytogenetic location: Xq28.
Variant type: single nucleotide variant.
Coding change: c.455G>A on transcript NM_000117.3 (MANE Select); coding-DNA position 455, G replaced by A.
Protein change: p.Arg152His; replaces arginine 152 with histidine.
Molecular consequence: missense variant.
Genome position (GRCh38, 1-based): chrX:154,380,887, G>A. VCF-style: chrX-154380887-G-A. GRCh37 (hg19) VCF-style: chrX-153609247-G-A.
Other names: short protein forms R152H.
Identifiers: ClinVar variation 2441219 (VCV002441219.4), dbSNP rs782317753, ClinGen allele CA10561618.